The following is an entry in ClinVar:

NM_025114.4(CEP290):c.5557C>T (p.Gln1853Ter)

Gene: CEP290 (centrosomal protein 290; minus strand). Cytogenetic location: 12q21.32.
Variant type: single nucleotide variant.
Coding change: c.5557C>T on transcript NM_025114.4 (MANE Select); coding-DNA position 5557, C replaced by T.
Protein change: p.Gln1853Ter; replaces glutamine 1853 with a stop codon.
Molecular consequence: nonsense.
Genome position (GRCh38, 1-based): chr12:88,077,726, G>A on the plus strand (C>T on the coding strand, the complement: CEP290 is on the minus strand). VCF-style: chr12-88077726-G-A. GRCh37 (hg19) VCF-style: chr12-88471503-G-A.
Other names: short protein forms Q1853*.
Identifiers: ClinVar variation 1999636 (VCV001999636.4), dbSNP rs2035884532, ClinGen allele CA385988116.

ClinVar aggregate classification (germline): Pathogenic (1 of 4 stars; one submission).

Conditions:
Joubert syndrome. Also called: CEREBELLOPARENCHYMAL DISORDER IV; JOUBERT-BOLTSHAUSER SYNDROME; Familial aplasia of the vermis. Identifiers: Orphanet 475, MedGen C5979921, MONDO:0018772.
Meckel-Gruber syndrome. Also called: DYSENCEPHALIA SPLANCHNOCYSTICA; GRUBER SYNDROME; Dysencephalia splachnocystica. Identifiers: Orphanet 564, MedGen C0265215, MONDO:0018921.
Nephronophthisis. Also called: Juvenile Nephronophthisis. Identifiers: Orphanet 655, MedGen C0687120, MONDO:0019005, HP:0000090.

Submission:

Labcorp Genetics (formerly Invitae), Labcorp
Classification: Pathogenic for Joubert syndrome; Meckel-Gruber syndrome; Nephronophthisis. Last evaluated: 2022-05-27. Review status: criteria provided, single submitter. Criteria: Invitae Variant Classification Sherloc (09022015). Collection method: clinical testing. Allele origin: germline.
Comment: This variant has not been reported in the literature in individuals affected with CEP290-related conditions. This sequence change creates a premature translational stop signal (p.Gln1853*) in the CEP290 gene. It is expected to result in an absent or disrupted protein product. Loss-of-function variants in CEP290 are known to be pathogenic (PMID: 16909394, 17345604, 20690115). This variant is not present in population databases (gnomAD no frequency). Algorithms developed to predict the effect of sequence changes on RNA splicing suggest that this variant may disrupt the consensus splice site. For these reasons, this variant has been classified as Pathogenic.

Literature cited by the submitters: PubMed 16909394; PubMed 17345604; PubMed 20690115.